The following is an entry in ClinVar:

NM_020937.4(FANCM):c.799A>T (p.Ile267Leu)

Gene: FANCM (FA complementation group M; plus strand). Cytogenetic location: 14q21.2.
Variant type: single nucleotide variant.
Coding change: c.799A>T on transcript NM_020937.4 (MANE Select); coding-DNA position 799, A replaced by T.
Protein change: p.Ile267Leu; replaces isoleucine 267 with leucine.
Molecular consequence: missense variant.
Genome position (GRCh38, 1-based): chr14:45,148,876, A>T. VCF-style: chr14-45148876-A-T. GRCh37 (hg19) VCF-style: chr14-45618079-A-T.
Other names: c.721A>T, p.Ile241Leu (NM_001308133.2); c.799A>T, p.Ile267Leu (NM_001308134.2); short protein forms I241L, I267L.
Identifiers: ClinVar variation 4536326 (VCV004536326.1).

ClinVar aggregate classification (germline): Uncertain significance (1 of 4 stars; one submission).

Submission:

GeneDx
Classification: Uncertain significance. Last evaluated: 2025-06-05. Review status: criteria provided, single submitter. Criteria: GeneDx Variant Classification Process June 2021. Collection method: clinical testing. Allele origin: germline. Affected: yes.
Comment: Not observed at significant frequency in large population cohorts (gnomAD); In silico analysis suggests that this missense variant does not alter protein structure/function; Has not been previously published as pathogenic or benign to our knowledge